The following is an entry in ClinVar:

NM_005045.4(RELN):c.2003-298G>T

Gene: RELN (reelin; minus strand). Cytogenetic location: 7q22.1.
Variant type: single nucleotide variant.
Coding change: c.2003-298G>T on transcript NM_005045.4 (MANE Select); 298 bases into the intron before coding-DNA position 2003, G replaced by T.
Molecular consequence: intron variant.
Genome position (GRCh38, 1-based): chr7:103,640,907, C>A on the plus strand (G>T on the coding strand, the complement: RELN is on the minus strand). VCF-style: chr7-103640907-C-A. GRCh37 (hg19) VCF-style: chr7-103281354-C-A.
Other names: c.2003-298G>T (NM_173054.3).
Identifiers: ClinVar variation 673539 (VCV000673539.1), dbSNP rs362704, ClinGen allele CA16309884.

ClinVar aggregate classification (germline): Benign (1 of 4 stars; one submission).

Allele frequency attached by ClinVar (database versions not stated): gnomAD 0.03903 and 0.04010; TOPMed 0.03997; 1000 Genomes Project 30x 0.05231; 1000 Genomes Project 0.05411.
gnomAD v4.1: 6,099 of 152,218 alleles (4%); highest among the groups gnomAD compares: East Asian, 14%; 165 homozygotes.

Submission:

GeneDx
Classification: Benign. Last evaluated: 2018-06-16. Review status: criteria provided, single submitter. Criteria: GeneDx Variant Classification (06012015). Collection method: clinical testing. Allele origin: germline. Affected: yes.
Comment: This variant is considered likely benign or benign based on one or more of the following criteria: it is a conservative change, it occurs at a poorly conserved position in the protein, it is predicted to be benign by multiple in silico algorithms, and/or has population frequency not consistent with disease.